The following is an entry in ClinVar:

ClinVar aggregate classification (germline): Benign (1 of 4 stars; one submission).

Conditions:
Pheochromocytoma. Also called: MAX-Related Hereditary Paraganglioma-Pheochromocytoma Syndrome. Identifiers: Orphanet 29072, MedGen C0031511, MONDO:0008233, OMIM 171300, HP:0002666.

Allele frequency attached by ClinVar (database versions not stated): gnomAD 0.00031 and 0.00050; TOPMed 0.00081; gnomAD exomes 0.00178.
gnomAD v4.1: 210 of 233,076 alleles (0.09%); highest among the groups gnomAD compares: East Asian, 1.2%; 1 homozygote.

Submission:

Illumina Laboratory Services, Illumina
Classification: Benign for Pheochromocytoma. Last evaluated: 2018-01-12. Review status: criteria provided, single submitter. Criteria: ICSL Variant Classification Criteria 13 December 2019. Collection method: clinical testing. Allele origin: germline.
Comment: This variant was observed in the ICSL laboratory as part of a predisposition screen in an ostensibly healthy population. It had not been previously curated by ICSL or reported in the Human Gene Mutation Database (HGMD: prior to June 1st, 2018), and was therefore a candidate for classification through an automated scoring system. Utilizing variant allele frequency, disease prevalence and penetrance estimates, and inheritance mode, an automated score was calculated to assess if this variant is too frequent to cause the disease. Based on the score and internal cut-off values, a variant classified as benign is not then subjected to further curation. The score for this variant resulted in a classification of benign for this disease.

NM_017849.4(TMEM127):c.*3209A>G

Gene: TMEM127 (transmembrane protein 127; minus strand). Cytogenetic location: 2q11.2.
Variant type: single nucleotide variant.
Coding change: c.*3209A>G on transcript NM_017849.4 (MANE Select); 3209 bases downstream of the stop codon, A replaced by G.
Molecular consequence: 3 prime UTR variant.
Genome position (GRCh38, 1-based): chr2:96,250,599, T>C on the plus strand (A>G on the coding strand, the complement: TMEM127 is on the minus strand). VCF-style: chr2-96250599-T-C. GRCh37 (hg19) VCF-style: chr2-96916337-T-C.
Other names: c.*3209A>G (NM_001193304.3).
Identifiers: ClinVar variation 337448 (VCV000337448.5), dbSNP rs186348610, ClinGen allele CA10614619.